The following is an entry in ClinVar:

NM_006441.4(MTHFS):c.378A>G (p.Thr126=)

Genes: ST20-MTHFS (ST20-MTHFS readthrough; minus strand), MTHFS (methenyltetrahydrofolate synthetase; minus strand). Cytogenetic location: 15q25.1.
Variant type: single nucleotide variant.
Coding change: c.378A>G on transcript NM_006441.4 (MANE Select); coding-DNA position 378, A replaced by G.
Protein change: p.Thr126=; no amino-acid change (threonine 126 retained).
Molecular consequence: synonymous variant. On other transcripts: non-coding transcript variant (1).
Genome position (GRCh38, 1-based): chr15:79,889,094, T>C on the plus strand (A>G on the coding strand, the complement: MTHFS is on the minus strand). VCF-style: chr15-79889094-T-C. GRCh37 (hg19) VCF-style: chr15-80181436-T-C.
Other names: c.306A>G, p.Thr102= (NM_001199760.2); c.207A>G, p.Thr69= (NM_001199758.1).
Identifiers: ClinVar variation 2076613 (VCV002076613.4), dbSNP rs138155613, ClinGen allele CA7690307.

ClinVar aggregate classification (germline): Uncertain significance (1 of 4 stars; one submission).

Allele frequency attached by ClinVar (database versions not stated): ExAC 0.00009; ESP Exome Variant Server 0.00031; gnomAD 0.00033; TOPMed 0.00049.
gnomAD v4.1: 111 of 1,614,150 alleles (0.0069%); highest among the groups gnomAD compares: African/African-American, 0.13%; no homozygotes.

Submission:

Labcorp Genetics (formerly Invitae), Labcorp
Classification: Uncertain significance. Last evaluated: 2025-10-27. Review status: criteria provided, single submitter. Criteria: Invitae Variant Classification Sherloc (09022015). Collection method: clinical testing. Allele origin: germline.
Comment: This sequence change affects codon 126 of the MTHFS mRNA. It is a 'silent' change, meaning that it does not change the encoded amino acid sequence of the MTHFS protein. It affects a nucleotide within the consensus splice site. This variant is present in population databases (rs138155613, gnomAD 0.1%). This variant has not been reported in the literature in individuals affected with MTHFS-related conditions. ClinVar contains an entry for this variant (Variation ID: 2076613). Algorithms developed to predict the effect of sequence changes on RNA splicing suggest that this variant is not likely to affect RNA splicing. In summary, the available evidence is currently insufficient to determine the role of this variant in disease. Therefore, it has been classified as a Variant of Uncertain Significance.